The following is an entry in ClinVar:

NM_004370.6(COL12A1):c.1677T>A (p.Asp559Glu)

Gene: COL12A1 (collagen type XII alpha 1 chain; minus strand). Cytogenetic location: 6q13.
Variant type: single nucleotide variant.
Coding change: c.1677T>A on transcript NM_004370.6 (MANE Select); coding-DNA position 1677, T replaced by A.
Protein change: p.Asp559Glu; replaces aspartic acid 559 with glutamic acid.
Molecular consequence: missense variant. On other transcripts: intron variant (1).
Genome position (GRCh38, 1-based): chr6:75,183,264, A>T on the plus strand (T>A on the coding strand, the complement: COL12A1 is on the minus strand). VCF-style: chr6-75183264-A-T. GRCh37 (hg19) VCF-style: chr6-75892980-A-T.
Other names: c.73+19456T>A (NM_080645.3); short protein forms D559E.
Identifiers: ClinVar variation 1384567 (VCV001384567.6), dbSNP rs2149465802, ClinGen allele CA364769033.

ClinVar aggregate classification (germline): Uncertain significance (1 of 4 stars; one submission).

Conditions:
Ullrich congenital muscular dystrophy 2 (UCMD2). Identifiers: Orphanet 75840, MedGen C4225314, MONDO:0014654, OMIM 616470.
Bethlem myopathy 2 (BTHLM2). Identifiers: Orphanet 536516, Orphanet 610, MedGen C4225313, MONDO:0034022, OMIM 616471.

Submission:

Labcorp Genetics (formerly Invitae), Labcorp
Classification: Uncertain significance for Bethlem myopathy 2; Ullrich congenital muscular dystrophy 2. Last evaluated: 2021-10-04. Review status: criteria provided, single submitter. Criteria: Invitae Variant Classification Sherloc (09022015). Collection method: clinical testing. Allele origin: germline.
Comment: In summary, the available evidence is currently insufficient to determine the role of this variant in disease. Therefore, it has been classified as a Variant of Uncertain Significance. Algorithms developed to predict the effect of missense changes on protein structure and function output the following: SIFT: "Tolerated"; PolyPhen-2: "Benign"; Align-GVGD: "Class C0". The glutamic acid amino acid residue is found in multiple mammalian species, which suggests that this missense change does not adversely affect protein function. This variant has not been reported in the literature in individuals affected with COL12A1-related conditions. This variant is not present in population databases (ExAC no frequency). This sequence change replaces aspartic acid with glutamic acid at codon 559 of the COL12A1 protein (p.Asp559Glu). The aspartic acid residue is moderately conserved and there is a small physicochemical difference between aspartic acid and glutamic acid.